The following is an entry in ClinVar:

ClinVar aggregate classification (germline): Benign/Likely benign. Review status: criteria provided, multiple submitters, no conflicts (2 of 4 stars). 5 submissions from 5 submitters: Benign (2); Likely benign (2). 1 of the submissions does not count toward it. Last evaluated 2026-01-30.

Conditions:
CTNNA1-related disorder. Also called: CTNNA1-related condition.
Hereditary diffuse gastric adenocarcinoma (HDGC). Also called: DIFFUSE GASTRIC AND LOBULAR BREAST CANCER SYNDROME. Identifiers: Orphanet 26106, MedGen C1708349, MONDO:0007648, OMIM 137215.
Hereditary cancer-predisposing syndrome. Also called: Tumor predisposition; Hereditary neoplastic syndrome; Hereditary Cancer Syndrome; Neoplastic Syndromes, Hereditary. Identifiers: Orphanet 140162, MedGen C0027672, MeSH D009386, MONDO:0015356.

Allele frequency attached by ClinVar (database versions not stated): gnomAD exomes 0.00005 and 0.00014; ExAC 0.00016; 1000 Genomes Project 30x 0.00031; 1000 Genomes Project 0.00040; ESP Exome Variant Server 0.00046; gnomAD 0.00054 and 0.00058; TOPMed 0.00065.
gnomAD v4.1: 157 of 1,614,156 alleles (0.0097%); highest among the groups gnomAD compares: African/African-American, 0.19%; no homozygotes.

Submissions (5):

Labcorp Genetics (formerly Invitae), Labcorp
Classification: Benign. Last evaluated: 2026-01-30. Review status: criteria provided, single submitter. Criteria: Invitae Variant Classification Sherloc (09022015). Collection method: clinical testing. Allele origin: germline.

Myriad Genetics, Inc.
Classification: Benign for Hereditary diffuse gastric adenocarcinoma. Last evaluated: 2024-10-15. Review status: criteria provided, single submitter. Criteria: Myriad Autosomal Dominant, Autosomal Recessive and X-Linked Classification Criteria (2023). Collection method: clinical testing. Allele origin: unknown.
Comment: This variant is considered benign. This variant is a silent/synonymous amino acid change and it is not expected to impact splicing.

Blueprint Genetics
Classification: Likely benign. Last evaluated: 2024-05-08. Review status: criteria provided, single submitter. Criteria: ACMG Guidelines, 2015. Collection method: clinical testing. Allele origin: germline.

Ambry Genetics
Classification: Likely benign for Hereditary cancer-predisposing syndrome. Last evaluated: 2018-11-02. Review status: criteria provided, single submitter. Criteria: Ambry Variant Classification Scheme 2023. Collection method: clinical testing. Allele origin: germline.

PreventionGenetics, part of Exact Sciences
Classification: Likely benign for CTNNA1-related condition. Last evaluated: 2022-06-09. Review status: no assertion criteria provided. Collection method: clinical testing. Allele origin: germline. Not counted in ClinVar's aggregate classification.
Comment: This variant is classified as likely benign based on ACMG/AMP sequence variant interpretation guidelines (Richards et al. 2015 PMID: 25741868, with internal and published modifications).

NM_001903.5(CTNNA1):c.2514C>T (p.Val838=)

Gene: CTNNA1 (catenin alpha 1; plus strand). Cytogenetic location: 5q31.2.
Variant type: single nucleotide variant.
Coding change: c.2514C>T on transcript NM_001903.5 (MANE Select); coding-DNA position 2514, C replaced by T.
Protein change: p.Val838=; no amino-acid change (valine 838 retained).
Molecular consequence: synonymous variant. On other transcripts: 3 prime UTR variant (5).
Genome position (GRCh38, 1-based): chr5:138,933,882, C>T. VCF-style: chr5-138933882-C-T. GRCh37 (hg19) VCF-style: chr5-138269571-C-T.
Other names: c.*59C>T (NM_001290307.3, NM_001324002.1, NM_001324003.1 and 2 more transcripts); c.2205C>T, p.Val735= (NM_001290309.3); c.2145C>T, p.Val715= (NM_001290310.3); c.1404C>T, p.Val468= (NM_001290312.1, NM_001323987.1, NM_001323988.1 and 12 more transcripts); c.2514C>T, p.Val838= (NM_001323982.2, NM_001323983.1, NM_001323984.2); c.2487C>T, p.Val829= (NM_001323985.2); c.2421C>T, p.Val807= (NM_001323986.2); c.1269C>T, p.Val423= (NM_001324001.1); and 4 more.
Identifiers: ClinVar variation 695334 (VCV000695334.19), dbSNP rs371058611, ClinGen allele CA3432258.